The following is an entry in ClinVar:

NM_000079.4(CHRNA1):c.223C>T (p.Arg75Cys)

Gene: CHRNA1 (cholinergic receptor nicotinic alpha 1 subunit; minus strand). Cytogenetic location: 2q31.1.
Variant type: single nucleotide variant.
Coding change: c.223C>T on transcript NM_000079.4 (MANE Select); coding-DNA position 223, C replaced by T.
Protein change: p.Arg75Cys; replaces arginine 75 with cysteine.
Molecular consequence: missense variant.
Genome position (GRCh38, 1-based): chr2:174,759,342, G>A on the plus strand (C>T on the coding strand, the complement: CHRNA1 is on the minus strand). VCF-style: chr2-174759342-G-A. GRCh37 (hg19) VCF-style: chr2-175624070-G-A.
Other names: c.223C>T, p.Arg75Cys (NM_001039523.3); c.223C>T (NM_000079.3); short protein forms R75C.
Identifiers: ClinVar variation 4707562 (VCV004707562.2).

ClinVar aggregate classification (germline): Uncertain significance. Review status: criteria provided, multiple submitters, no conflicts (2 of 4 stars). 2 submissions from 2 submitters: Uncertain significance (2). Last evaluated 2026-07-20.

Conditions:
Lethal multiple pterygium syndrome (LMPS). Identifiers: Orphanet 33108, MedGen C1854678, MONDO:0009668, OMIM 253290.
Inborn genetic diseases. Identifiers: MedGen C0950123, MeSH D030342.

gnomAD v4.1: 1 of 1,613,978 alleles (0.000062%); highest among the groups gnomAD compares: Admixed American, 0.0017%; no homozygotes.

Submissions (2):

Ambry Genetics
Classification: Uncertain significance for Inborn genetic diseases. Last evaluated: 2026-07-20. Review status: criteria provided, single submitter. Criteria: Ambry Variant Classification Scheme 2023. Collection method: clinical testing. Allele origin: germline.

Labcorp Genetics (formerly Invitae), Labcorp
Classification: Uncertain significance for Lethal multiple pterygium syndrome. Last evaluated: 2025-02-17. Review status: criteria provided, single submitter. Criteria: Invitae Variant Classification Sherloc (09022015). Collection method: clinical testing. Allele origin: germline.
Comment: This sequence change replaces arginine, which is basic and polar, with cysteine, which is neutral and slightly polar, at codon 75 of the CHRNA1 protein (p.Arg75Cys). The frequency data for this variant in the population databases is considered unreliable, as metrics indicate poor data quality at this position in the gnomAD database. This variant has not been reported in the literature in individuals affected with CHRNA1-related conditions. Invitae Evidence Modeling of protein sequence and biophysical properties (such as structural, functional, and spatial information, amino acid conservation, physicochemical variation, residue mobility, and thermodynamic stability) indicates that this missense variant is not expected to disrupt CHRNA1 protein function with a negative predictive value of 80%. In summary, the available evidence is currently insufficient to determine the role of this variant in disease. Therefore, it has been classified as a Variant of Uncertain Significance.